The following is an entry in ClinVar:

NM_181458.4(PAX3):c.934T>G (p.Tyr312Asp)

Gene: PAX3 (paired box 3; minus strand). Cytogenetic location: 2q36.1.
Variant type: single nucleotide variant.
Coding change: c.934T>G on transcript NM_181458.4 (MANE Select); coding-DNA position 934, T replaced by G.
Protein change: p.Tyr312Asp; replaces tyrosine 312 with aspartic acid.
Molecular consequence: missense variant.
Genome position (GRCh38, 1-based): chr2:222,221,246, A>C on the plus strand (T>G on the coding strand, the complement: PAX3 is on the minus strand). VCF-style: chr2-222221246-A-C. GRCh37 (hg19) VCF-style: chr2-223085965-A-C.
Other names: c.931T>G, p.Tyr311Asp (NM_001127366.3); c.934T>G, p.Tyr312Asp (NM_181457.4, NM_181459.4, NM_181460.4 and 1 more transcripts); short protein forms Y311D, Y312D.
Identifiers: ClinVar variation 4881916 (VCV004881916.2).

ClinVar aggregate classification (germline): Uncertain significance (1 of 4 stars; one submission).

Conditions:
Waardenburg syndrome type 1 (WS1). Also called: WAARDENBURG SYNDROME WITH DYSTOPIA CANTHORUM; Waardenburg Syndrome Type I. Identifiers: Orphanet 894, MedGen C1847800, MONDO:0008670, OMIM 193500.

Submission:

Dasa
Classification: Uncertain significance for Waardenburg syndrome type 1. Last evaluated: 2025-10-24. Review status: criteria provided, single submitter. Criteria: DASA Assertion Criteria. Collection method: clinical testing. Allele origin: germline.
Comment: NM_181458.4(PAX3):c.934T>G (p.Tyr312Asp) is a missense variant that results in the substitution of tyrosine with aspartic acid. This variant is absent from population databases. Computational prediction algorithms are consistent with a deleterious effect. The currently available literature and clinical evidence are not sufficient to establish a definitive association between this variant and the reported condition. Therefore, this variant is classified as a variant of uncertain significance.